The following is an entry in ClinVar:

NM_013254.4(TBK1):c.535T>C (p.Tyr179His)

Gene: TBK1 (TANK binding kinase 1; plus strand). Cytogenetic location: 12q14.2.
Variant type: single nucleotide variant.
Coding change: c.535T>C on transcript NM_013254.4 (MANE Select); coding-DNA position 535, T replaced by C.
Protein change: p.Tyr179His; replaces tyrosine 179 with histidine.
Molecular consequence: missense variant.
Genome position (GRCh38, 1-based): chr12:64,467,077, T>C. VCF-style: chr12-64467077-T-C. GRCh37 (hg19) VCF-style: chr12-64860857-T-C.
Other names: short protein forms Y179H.
Identifiers: ClinVar variation 1477039 (VCV001477039.6), dbSNP rs2136063631, ClinGen allele CA385596277.

ClinVar aggregate classification (germline): Uncertain significance (1 of 4 stars; one submission).

Conditions:
Frontotemporal dementia and/or amyotrophic lateral sclerosis 4. Also called: FTDALS4. Identifiers: Orphanet 275872, MedGen C4225325, MONDO:0014641, OMIM 616439.

Submission:

Labcorp Genetics (formerly Invitae), Labcorp
Classification: Uncertain significance for Frontotemporal dementia and/or amyotrophic lateral sclerosis 4. Last evaluated: 2021-09-24. Review status: criteria provided, single submitter. Criteria: Invitae Variant Classification Sherloc (09022015). Collection method: clinical testing. Allele origin: germline.
Comment: In summary, the available evidence is currently insufficient to determine the role of this variant in disease. Therefore, it has been classified as a Variant of Uncertain Significance. Advanced modeling of protein sequence and biophysical properties (such as structural, functional, and spatial information, amino acid conservation, physicochemical variation, residue mobility, and thermodynamic stability) performed at Invitae indicates that this missense variant is expected to disrupt TBK1 protein function. This variant has not been reported in the literature in individuals affected with TBK1-related conditions. This variant is not present in population databases (ExAC no frequency). This sequence change replaces tyrosine with histidine at codon 179 of the TBK1 protein (p.Tyr179His). The tyrosine residue is highly conserved and there is a moderate physicochemical difference between tyrosine and histidine.